The following is an entry in ClinVar:

NM_000141.5(FGFR2):c.56C>T (p.Ser19Phe)

Gene: FGFR2 (fibroblast growth factor receptor 2; minus strand). Cytogenetic location: 10q26.13.
Variant type: single nucleotide variant.
Coding change: c.56C>T on transcript NM_000141.5 (MANE Select); coding-DNA position 56, C replaced by T.
Protein change: p.Ser19Phe; replaces serine 19 with phenylalanine.
Molecular consequence: missense variant. On other transcripts: non-coding transcript variant (1).
Genome position (GRCh38, 1-based): chr10:121,593,762, G>A on the plus strand (C>T on the coding strand, the complement: FGFR2 is on the minus strand). VCF-style: chr10-121593762-G-A. GRCh37 (hg19) VCF-style: chr10-123353276-G-A.
Other names: c.56C>T, p.Ser19Phe (NM_001144913.1, NM_001144914.1, NM_001144915.2 and 7 more transcripts); short protein forms S19F.
Identifiers: ClinVar variation 2429691 (VCV002429691.1), dbSNP rs760903123, ClinGen allele CA5721247.

ClinVar aggregate classification (germline): Uncertain significance (1 of 4 stars; one submission).

Allele frequency attached by ClinVar (database versions not stated): gnomAD exomes below 0.00001; ExAC 0.00001.

Submission:

GeneDx
Classification: Uncertain significance. Last evaluated: 2022-08-11. Review status: criteria provided, single submitter. Criteria: GeneDx Variant Classification Process June 2021. Collection method: clinical testing. Allele origin: germline. Affected: yes.
Comment: In silico analysis supports that this missense variant has a deleterious effect on protein structure/function; Has not been previously published as pathogenic or benign to our knowledge